The following is an entry in ClinVar:

NM_000062.3(SERPING1):c.1342_1349dup (p.Thr450_Glu451insAsnTer)

Gene: SERPING1 (serpin family G member 1; plus strand). Cytogenetic location: 11q12.1.
Variant type: Duplication.
Coding change: c.1342_1349dup on transcript NM_000062.3 (MANE Select); coding-DNA positions 1342 to 1349, 8 bases duplicated (GAACTGAC; older notation c.1342_1349dupGAACTGAC).
Protein change: p.Thr450_Glu451insAsnTer.
Molecular consequence: nonsense, inframe insertion.
Genome position (GRCh38, 1-based): chr11:57,614,420-57,614,427, GAACTGAC duplicated. VCF-style (leftmost placement, unchanged base first): chr11-57614419-G-GGAACTGAC. GRCh37 (hg19) VCF-style: chr11-57381892-G-GGAACTGAC.
Other names: c.1342_1349dup, p.Thr450_Glu451insAsnTer (NM_001032295.2).
Identifiers: ClinVar variation 690349 (VCV000690349.2), dbSNP rs1590831385, ClinGen allele CA915948109.

ClinVar aggregate classification (germline): Pathogenic (1 of 4 stars; one submission).

Conditions:
Hereditary angioedema type 1 (HAE1). Identifiers: Orphanet 100050, Orphanet 100051, Orphanet 91378, MedGen C2717906, MONDO:0015053, OMIM 106100.

Submission:

Department of Immunology and Histocompatibility, University of Thessaly
Classification: Pathogenic for Hereditary angioedema type 1. Review status: criteria provided, single submitter. Criteria: ACMG Guidelines, 2015. Collection method: clinical testing. Allele origin: germline. Affected: yes. Observed: 1 variant allele.
Comment: The c.1342_1349dup (p.Glu451Asnfs*2) variant has been previously reported in the literature in association with hereditary angioedema (Loules et al., 2018). It causes interruption of the reading frame by the formation of a termination codon (*2aa) which results in a truncated protein. It has never been detected in approximately 120000 individuals of the Exome Aggregation Consortium (ExAC), indicating that it is not a common variant. Taking all the above into account and according to ACMG Guidelines (Criteria: PVS1, PM2, PM4, PP4) the variant is considered pathogenic.

Literature cited by the submitters: PubMed 29753808.